The following is an entry in ClinVar:

ClinVar aggregate classification (germline): Pathogenic (1 of 4 stars; one submission).

Conditions:
SLC35A2-congenital disorder of glycosylation. Also called: CONGENITAL DISORDER OF GLYCOSYLATION, TYPE IIm; CDG IIm; CONGENITAL DISORDER OF GLYCOSYLATION, TYPE IIm, SOMATIC MOSAIC; DEVELOPMENTAL AND EPILEPTIC ENCEPHALOPATHY 22; EPILEPTIC ENCEPHALOPATHY, EARLY INFANTILE, 22; SLC35A2-CDG. Identifiers: Orphanet 356961, MedGen C3806688, MONDO:0010478, OMIM 300896.

Submission:

Labcorp Genetics (formerly Invitae), Labcorp
Classification: Pathogenic for SLC35A2-congenital disorder of glycosylation. Last evaluated: 2022-09-01. Review status: criteria provided, single submitter. Criteria: Invitae Variant Classification Sherloc (09022015). Collection method: clinical testing. Allele origin: germline.
Comment: For these reasons, this variant has been classified as Pathogenic. This variant disrupts a region of the SLC35A2 protein in which other variant(s) (p.Phe324Leufs*25) have been determined to be pathogenic (PMID: 24115232). This suggests that this is a clinically significant region of the protein, and that variants that disrupt it are likely to be disease-causing. ClinVar contains an entry for this variant (Variation ID: 541105). This premature translational stop signal has been observed in individual(s) with SLC35A2-related conditions (PMID: 30817854). This variant is not present in population databases (gnomAD no frequency). This sequence change creates a premature translational stop signal (p.Val117Cysfs*27) in the SLC35A2 gene. While this is not anticipated to result in nonsense mediated decay, it is expected to disrupt the last 277 amino acid(s) of the SLC35A2 protein.

Literature cited by the submitters: PubMed 24115232; PubMed 30817854.

NM_005660.3(SLC35A2):c.348del (p.Val117fs)

Gene: SLC35A2 (solute carrier family 35 member A2; minus strand). Cytogenetic location: Xp11.23.
Variant type: Deletion.
Coding change: c.348del on transcript NM_005660.3 (MANE Select); coding-DNA position 348, one base deleted (A; older notation c.348delA).
Protein change: p.Val117fs; shifts the reading frame from valine 117.
Molecular consequence: frameshift variant.
Genome position (GRCh38, 1-based): chrX:48,906,470, T deleted on the plus strand (A on the coding strand, the reverse complement: SLC35A2 is on the minus strand). VCF-style (leftmost placement, unchanged base first): chrX-48906469-CT-C. GRCh37 (hg19) VCF-style: chrX-48763746-CT-C.
Other names: c.348del, p.Val117fs (NM_001032289.3, NM_001042498.3, NM_001282647.2); c.276del, p.Val93fs (NM_001282648.2); c.165del, p.Val56fs (NM_001282649.2); c.387del, p.Val130fs (NM_001282650.2); c.432del, p.Val145fs (NM_001282651.2); short protein forms V130fs, V145fs, V56fs, V117fs, V93fs.
Identifiers: ClinVar variation 541105 (VCV000541105.9), dbSNP rs1557043131, ClinGen allele CA658799743.